The following is an entry in ClinVar:

ClinVar aggregate classification (germline): Uncertain significance (1 of 4 stars; one submission).

Conditions:
Bethlem myopathy 1A. Also called: MYOPATHY, BENIGN CONGENITAL, WITH CONTRACTURES; Bethlem myopathy 1; Bethlem Muscular Dystrophy. Identifiers: Orphanet 610, MedGen CN029274, MONDO:0024530, OMIM 158810.

gnomAD v4.1: 2 of 1,613,962 alleles (0.00012%); highest among the groups gnomAD compares: African/African-American, 0.0013%; no homozygotes.

Submission:

Labcorp Genetics (formerly Invitae), Labcorp
Classification: Uncertain significance for Bethlem myopathy 1A. Last evaluated: 2025-03-19. Review status: criteria provided, single submitter. Criteria: Invitae Variant Classification Sherloc (09022015). Collection method: clinical testing. Allele origin: germline.
Comment: This sequence change replaces methionine, which is neutral and non-polar, with leucine, which is neutral and non-polar, at codon 2179 of the COL6A3 protein (p.Met2179Leu). This variant is present in population databases (no rsID available, gnomAD 0.01%). This variant has not been reported in the literature in individuals affected with COL6A3-related conditions. An algorithm developed to predict the effect of missense changes on protein structure and function (PolyPhen-2) suggests that this variant is likely to be tolerated. In summary, the available evidence is currently insufficient to determine the role of this variant in disease. Therefore, it has been classified as a Variant of Uncertain Significance.

NM_004369.4(COL6A3):c.6535A>T (p.Met2179Leu)

Gene: COL6A3 (collagen type VI alpha 3 chain; minus strand). Cytogenetic location: 2q37.3.
Variant type: single nucleotide variant.
Coding change: c.6535A>T on transcript NM_004369.4 (MANE Select); coding-DNA position 6535, A replaced by T.
Protein change: p.Met2179Leu; replaces methionine 2179 with leucine.
Molecular consequence: missense variant.
Genome position (GRCh38, 1-based): chr2:237,357,819, T>A on the plus strand (A>T on the coding strand, the complement: COL6A3 is on the minus strand). VCF-style: chr2-237357819-T-A. GRCh37 (hg19) VCF-style: chr2-238266462-T-A.
Other names: c.4714A>T, p.Met1572Leu (NM_057166.5); c.5917A>T, p.Met1973Leu (NM_057167.4); short protein forms M1973L, M1572L, M2179L.
Identifiers: ClinVar variation 3705319 (VCV003705319.2).